The following is an entry in ClinVar:

NM_001035.3(RYR2):c.14369G>A (p.Arg4790Gln)

Gene: RYR2 (ryanodine receptor 2; plus strand). Cytogenetic location: 1q43.
Variant type: single nucleotide variant.
Coding change: c.14369G>A on transcript NM_001035.3 (MANE Select); coding-DNA position 14369, G replaced by A.
Protein change: p.Arg4790Gln; replaces arginine 4790 with glutamine.
Molecular consequence: missense variant.
Genome position (GRCh38, 1-based): chr1:237,808,971, G>A. VCF-style: chr1-237808971-G-A. GRCh37 (hg19) VCF-style: chr1-237972271-G-A.
Other names: c.14369G>A (NM_001035.2); short protein forms R4790Q.
Identifiers: ClinVar variation 925599 (VCV000925599.15), dbSNP rs750780758, ClinGen allele CA085650.
Genomic context (GRCh38, chr1:237,808,971, plus strand): 5'-CCGTTGGCTTATTAGCTGTTGTTGTATACCTATACACTGTGGTGGCATTCAATTTTTTCC[G>A]AAAATTCTACAATAAAAGTGAAGATGGTGATACACCAGATATGAAATGTGACGATATGCT-3'
Protein context (NP_001026.2, residues 4780-4800): LYTVVAFNFF[Arg4790Gln]KFYNKSEDGD

ClinVar aggregate classification (germline): Uncertain significance. Review status: criteria provided, multiple submitters, no conflicts (2 of 4 stars). 7 submissions from 7 submitters: Uncertain significance (7). Last evaluated 2025-08-16.

Conditions:
Catecholaminergic polymorphic ventricular tachycardia (CVPT). Also called: Catecholamine-induced polymorphic ventricular tachycardia. Identifiers: Orphanet 3286, MedGen C5574922, MONDO:0017990.
Ventricular arrhythmias due to cardiac ryanodine receptor calcium release deficiency syndrome. Also called: Autosomal dominant cardiac arrhythmia (Kuhn). Identifiers: MedGen C5542154, MONDO:0020745, OMIM 115000.
Cardiovascular phenotype. Identifiers: MedGen CN230736.
Cardiomyopathy (CMYO). Also called: Cardiomyopathies. Identifiers: Orphanet 167848, MedGen C0878544, MONDO:0004994, HP:0001638. Inheritance: Various modes of inheritance.
Catecholaminergic polymorphic ventricular tachycardia 1. Also called: VENTRICULAR TACHYCARDIA, CATECHOLAMINERGIC POLYMORPHIC, 1, WITH OR WITHOUT ATRIAL DYSFUNCTION AND/OR DILATED CARDIOMYOPATHY; RYR2-Related Catecholaminergic Polymorphic Ventricular Tachycardia; VENTRICULAR TACHYCARDIA, STRESS-INDUCED POLYMORPHIC 1. Identifiers: Orphanet 3286, MedGen C1631597, MONDO:0011484, OMIM 604772.

Allele frequency attached by ClinVar (database versions not stated): gnomAD exomes below 0.00001; TOPMed below 0.00001; ExAC 0.00001; gnomAD 0.00001.
gnomAD v4.1: 6 of 1,612,882 alleles (0.00037%); highest among the groups gnomAD compares: Admixed American, 0.0017%; no homozygotes.

Submissions (7):

Labcorp Genetics (formerly Invitae), Labcorp
Classification: Uncertain significance for Catecholaminergic polymorphic ventricular tachycardia 1. Last evaluated: 2025-08-16. Review status: criteria provided, single submitter. Criteria: Invitae Variant Classification Sherloc (09022015). Collection method: clinical testing. Allele origin: germline.
Comment: This sequence change replaces arginine, which is basic and polar, with glutamine, which is neutral and polar, at codon 4790 of the RYR2 protein (p.Arg4790Gln). This variant is present in population databases (rs750780758, gnomAD 0.0009%). This missense change has been observed in individual(s) with RYR2-related conditions (PMID: 31112425, 32152366). ClinVar contains an entry for this variant (Variation ID: 925599). Invitae Evidence Modeling of protein sequence and biophysical properties (such as structural, functional, and spatial information, amino acid conservation, physicochemical variation, residue mobility, and thermodynamic stability) indicates that this missense variant is expected to disrupt RYR2 protein function with a positive predictive value of 95%. In summary, the available evidence is currently insufficient to determine the role of this variant in disease. Therefore, it has been classified as a Variant of Uncertain Significance.

Women's Health and Genetics/Laboratory Corporation of America, LabCorp
Classification: Uncertain significance. Last evaluated: 2024-07-12. Review status: criteria provided, single submitter. Criteria: LabCorp Variant Classification Summary - May 2015. Collection method: clinical testing. Allele origin: germline.
Comment: Variant summary: RYR2 c.14369G>A (p.Arg4790Gln) results in a conservative amino acid change located in the Ion transport domain (IPR005821) of the encoded protein sequence. Three of four in-silico tools predict a damaging effect of the variant on protein function. The variant allele was found at a frequency of 4e-06 in 249142 control chromosomes. The available data on variant occurrences in the general population are insufficient to allow any conclusion about variant significance. c.14369G>A has been reported in the literature in at least one individual affected with Catecholaminergic Polymorphic Ventricular Tachycardia (e.g. Medeiros-Domingo_2009). This report does not provide sufficient evidence at this time to allow unequivocal conclusions about association of the variant with Catecholaminergic Polymorphic Ventricular Tachycardia. To our knowledge, no experimental evidence demonstrating an impact on protein function has been reported. The following publications have been ascertained in the context of this evaluation (PMID: 31112425, 19926015). ClinVar contains an entry for this variant (Variation ID: 925599). Based on the evidence outlined above, the variant was classified as uncertain significance.

Genomic Medicine Center of Excellence, King Faisal Specialist Hospital and Research Centre
Classification: Uncertain significance for Ventricular arrhythmias due to cardiac ryanodine receptor calcium release deficiency syndrome. Last evaluated: 2024-04-04. Review status: criteria provided, single submitter. Criteria: ACMG Guidelines, 2015. Collection method: clinical testing. Allele origin: germline.

All of Us Research Program, National Institutes of Health
Classification: Uncertain significance for Catecholaminergic polymorphic ventricular tachycardia. Last evaluated: 2023-12-01. Review status: criteria provided, single submitter. Criteria: ACMG Guidelines, 2015. Collection method: clinical testing. Allele origin: germline. Inheritance: Autosomal dominant inheritance. Observed: 2 variant alleles, 2 heterozygotes.
Comment: This missense variant replaces arginine with glutamine at codon 4790 of the RYR2 protein. Computational prediction suggests that this variant may have deleterious impact on protein structure and function (internally defined REVEL score threshold >= 0.7, PMID: 27666373). Splice site prediction tools suggest that this variant may not impact RNA splicing. To our knowledge, functional studies have not been reported for this variant. This variant has been reported in an individual affected with catecholaminergic polymorphic ventricular tachycardia (PMID: 29766881). This variant has been identified in 1/249142 chromosomes in the general population by the Genome Aggregation Database (gnomAD). The available evidence is insufficient to determine the role of this variant in disease conclusively. Therefore, this variant is classified as a Variant of Uncertain Significance.

This study involves interpretation of variants in research participants for the purpose of population health screening. Participant phenotype was not available at the time of variant classification. Additional details can be found in publication PMID: 35346344, PMCID: PMC8962531

Revvity Omics, Revvity
Classification: Uncertain significance. Last evaluated: 2023-11-08. Review status: criteria provided, single submitter. Criteria: ACMG Guidelines, 2015. Collection method: clinical testing. Allele origin: germline.

Color Diagnostics, LLC DBA Color Health
Classification: Uncertain significance for Cardiomyopathy. Last evaluated: 2023-07-26. Review status: criteria provided, single submitter. Criteria: ACMG Guidelines, 2015. Collection method: clinical testing. Allele origin: germline.
Comment: This missense variant replaces arginine with glutamine at codon 4790 of the RYR2 protein. Computational prediction suggests that this variant may have deleterious impact on protein structure and function (internally defined REVEL score threshold >= 0.7, PMID: 27666373). To our knowledge, functional studies have not been reported for this variant. This variant has been reported in a few individuals affected with catecholaminergic polymorphic ventricular tachycardia (PMID: 19926015, 29766881, 31112425). This variant has been identified in 1/249142 chromosomes in the general population by the Genome Aggregation Database (gnomAD). The available evidence is insufficient to determine the role of this variant in disease conclusively. Therefore, this variant is classified as a Variant of Uncertain Significance.

Ambry Genetics
Classification: Uncertain significance for Cardiovascular phenotype. Last evaluated: 2018-09-02. Review status: criteria provided, single submitter. Criteria: Ambry Variant Classification Scheme 2023. Collection method: clinical testing. Allele origin: germline.
Comment: The p.R4790Q variant (also known as c.14369G>A), located in coding exon 100 of the RYR2 gene, results from a G to A substitution at nucleotide position 14369. The arginine at codon 4790 is replaced by glutamine, an amino acid with highly similar properties. This variant was identified in an individual with cardiac arrest and reported catecholaminergic polymorphic ventricular tachycardia; however, clinical details were limited (Medeiros-Domingo A et al. J. Am. Coll. Cardiol., 2009 Nov;54:2065-74; Ostby SA et al. JACC Clin Electrophysiol. 2016;2(3):253-262). This amino acid position is highly conserved in available vertebrate species. In addition, this alteration is predicted to be deleterious by in silico analysis. Since supporting evidence is limited at this time, the clinical significance of this alteration remains unclear.

Literature cited by the submitters: PubMed 31112425 (cited by 3 submitters); PubMed 32152366 (cited by Labcorp Genetics (formerly Invitae), Labcorp); PubMed 19926015 (cited by 3 submitters); PubMed 29766881 (cited by 3 submitters).